The following is an entry in ClinVar:

NM_001148.6(ANK2):c.11859+2T>G

Gene: ANK2 (ankyrin 2; plus strand). Cytogenetic location: 4q26.
Variant type: single nucleotide variant.
Coding change: c.11859+2T>G on transcript NM_001148.6 (MANE Select); the canonical splice donor site of the intron after coding-DNA position 11859, T replaced by G.
Molecular consequence: splice donor variant. On other transcripts: intron variant (9).
Genome position (GRCh38, 1-based): chr4:113,373,451, T>G. VCF-style: chr4-113373451-T-G. GRCh37 (hg19) VCF-style: chr4-114294607-T-G.
Other names: c.5589+2T>G (NM_001386186.2, NM_001386148.2); c.5391+2T>G (NM_001354269.3); c.5469+2T>G (NM_001386187.2); c.5430+2T>G (NM_001386147.1); c.5448+2T>G (NM_001386160.1); c.5553+2T>G (NM_001354254.2); c.5667+2T>G (NM_001354239.2); c.5574+2T>G (NM_001354252.2); and 50 more.
Identifiers: ClinVar variation 1743112 (VCV001743112.8), dbSNP rs2154075277, ClinGen allele CA357943884.

ClinVar aggregate classification (germline): Conflicting classifications of pathogenicity. Review status: criteria provided, conflicting classifications (1 of 4 stars). 4 submissions from 4 submitters: Likely pathogenic (2); Uncertain significance (2). Last evaluated 2024-04-17.

Conditions:
Long QT syndrome (LQTS). Identifiers: MedGen C0023976, MeSH D008133, MONDO:0002442. Disease mechanism: loss of function. Inheritance: Various modes of inheritance.
ANK2-related disorder. Also called: ANK2-related condition.
Cardiovascular phenotype. Identifiers: MedGen CN230736.

Allele frequency attached by ClinVar (database versions not stated): gnomAD exomes below 0.00001.
gnomAD v4.1: 1 of 1,614,008 alleles (0.000062%); highest among the groups gnomAD compares: Non-Finnish European, 0.000085%; no homozygotes.

Submissions (4):

Labcorp Genetics (formerly Invitae), Labcorp
Classification: Likely pathogenic for Long QT syndrome. Last evaluated: 2024-04-17. Review status: criteria provided, single submitter. Criteria: Invitae Variant Classification Sherloc (09022015). Collection method: clinical testing. Allele origin: germline.
Comment: This sequence change affects a donor splice site in intron 45 of the ANK2 gene. It is expected to disrupt RNA splicing. Variants that disrupt the donor or acceptor splice site typically lead to a loss of protein function (PMID: 16199547), and loss-of-function variants in ANK2 are known to be pathogenic (PMID: 37195288). This variant is not present in population databases (gnomAD no frequency). This variant has not been reported in the literature in individuals affected with ANK2-related conditions. ClinVar contains an entry for this variant (Variation ID: 1743112). Algorithms developed to predict the effect of sequence changes on RNA splicing suggest that this variant may disrupt the consensus splice site. In summary, the currently available evidence indicates that the variant is pathogenic, but additional data are needed to prove that conclusively. Therefore, this variant has been classified as Likely Pathogenic.

GeneDx
Classification: Likely pathogenic. Last evaluated: 2024-04-09. Review status: criteria provided, single submitter. Criteria: GeneDx Variant Classification Process June 2021. Collection method: clinical testing. Allele origin: germline.
Comment: Canonical splice site variant predicted to result in an in-frame loss of the adjacent exon in a gene for which loss of function is a known mechanism of disease; Not observed at significant frequency in large population cohorts (gnomAD); Has not been previously published as pathogenic or benign to our knowledge

PreventionGenetics, part of Exact Sciences
Classification: Uncertain significance for ANK2-related condition. Last evaluated: 2022-11-02. Review status: criteria provided, single submitter. Criteria: ACMG Guidelines, 2015. Collection method: clinical testing. Allele origin: germline.
Comment: The ANK2 c.11859+2T>G variant is predicted to disrupt the GT donor site and interfere with normal splicing. To our knowledge, this variant has not been reported in the literature or in a large population database, indicating this variant is rare. At this time, the clinical significance of this variant is uncertain due to the absence of conclusive functional and genetic evidence.

Ambry Genetics
Classification: Uncertain significance for Cardiovascular phenotype. Last evaluated: 2021-04-21. Review status: criteria provided, single submitter. Criteria: Ambry Variant Classification Scheme 2023. Collection method: clinical testing. Allele origin: germline.
Comment: The c.11859+2T>G intronic variant results from a T to G substitution two nucleotides after coding exon 45 in the ANK2 gene. This nucleotide position is highly conserved in available vertebrate species. In silico splice site analysis predicts that this alteration will weaken the native splice donor site. Alterations that disrupt the canonical splice site are expected to cause aberrant splicing, resulting in an abnormal protein or a transcript that is subject to nonsense-mediated mRNA decay. However, loss of function of ANK2 has not been clearly established as a mechanism of disease. Since supporting evidence is limited at this time, the clinical significance of this alteration remains unclear.

Literature cited by the submitters: PubMed 16199547 (cited by Labcorp Genetics (formerly Invitae), Labcorp); PubMed 37195288 (cited by Labcorp Genetics (formerly Invitae), Labcorp).